The following is an entry in ClinVar:

NM_018979.4(WNK1):c.6315G>C (p.Leu2105=)

Gene: WNK1 (WNK lysine deficient protein kinase 1; plus strand). Cytogenetic location: 12p13.33.
Variant type: single nucleotide variant.
Coding change: c.6315G>C on transcript NM_018979.4 (MANE Select); coding-DNA position 6315, G replaced by C.
Protein change: p.Leu2105=; no amino-acid change (leucine 2105 retained).
Molecular consequence: synonymous variant.
Genome position (GRCh38, 1-based): chr12:897,548, G>C. VCF-style: chr12-897548-G-C. GRCh37 (hg19) VCF-style: chr12-1006714-G-C.
Other names: c.7095G>C, p.Leu2365= (NM_001184985.2); c.5571G>C, p.Leu1857= (NM_014823.3); c.7071G>C, p.Leu2357= (NM_213655.5).
Identifiers: ClinVar variation 538532 (VCV000538532.11), dbSNP rs376551765, ClinGen allele CA6383384.

ClinVar aggregate classification (germline): Likely benign. Review status: criteria provided, multiple submitters, no conflicts (2 of 4 stars). 2 submissions from 2 submitters: Likely benign (2). Last evaluated 2025-09-24.

Conditions:
Neuropathy, hereditary sensory and autonomic, type 2A (HSAN2A). Also called: ACROOSTEOLYSIS, GIACCAI TYPE; ACROOSTEOLYSIS, NEUROGENIC; WNK1-Related HSAN2 (HSAN2A); HSAN IIA; MORVAN DISEASE; NEUROPATHY, CONGENITAL SENSORY. Identifiers: Orphanet 970, MedGen C2752089, MONDO:0024309, OMIM 201300.
Pseudohypoaldosteronism type 2C (PHA2C). Also called: Pseudohypoaldosteronism Type IIC. Identifiers: Orphanet 757, Orphanet 88940, MedGen C1840391, MONDO:0013778, OMIM 614492.
WNK1-related disorder. Also called: WNK1-related condition.

Allele frequency attached by ClinVar (database versions not stated): gnomAD 0.00001; TOPMed 0.00002; gnomAD exomes 0.00003; ExAC 0.00005; ESP Exome Variant Server 0.00008.
gnomAD v4.1: 46 of 1,613,226 alleles (0.0029%); highest among the groups gnomAD compares: Non-Finnish European, 0.0036%; no homozygotes.

Submissions (2):

PreventionGenetics, part of Exact Sciences
Classification: Likely benign for WNK1-related condition. Last evaluated: 2025-09-24. Review status: criteria provided, single submitter. Criteria: ACMG Guidelines, 2015. Collection method: clinical testing. Allele origin: germline.
Comment: This variant is classified as likely benign based on ACMG/AMP sequence variant interpretation guidelines (Richards et al. 2015 PMID: 25741868, with internal and published modifications).

Labcorp Genetics (formerly Invitae), Labcorp
Classification: Likely benign for Neuropathy, hereditary sensory and autonomic, type 2A; Pseudohypoaldosteronism type 2C. Last evaluated: 2025-04-23. Review status: criteria provided, single submitter. Criteria: Invitae Variant Classification Sherloc (09022015). Collection method: clinical testing. Allele origin: germline.